The following is an entry in ClinVar:

NM_005359.6(SMAD4):c.772G>A (p.Ala258Thr)

Gene: SMAD4 (SMAD family member 4; plus strand). Cytogenetic location: 18q21.2.
Variant type: single nucleotide variant.
Coding change: c.772G>A on transcript NM_005359.6 (MANE Select); coding-DNA position 772, G replaced by A.
Protein change: p.Ala258Thr; replaces alanine 258 with threonine.
Molecular consequence: missense variant. On other transcripts: non-coding transcript variant (2).
Genome position (GRCh38, 1-based): chr18:51,058,229, G>A. VCF-style: chr18-51058229-G-A. GRCh37 (hg19) VCF-style: chr18-48584599-G-A.
Other names: c.772G>A, p.Ala258Thr (NM_001407041.1, NM_001407042.1, NM_001407043.1); short protein forms A258T.
Identifiers: ClinVar variation 4770961 (VCV004770961.1).

ClinVar aggregate classification (germline): Uncertain significance (1 of 4 stars; one submission).

Conditions:
Juvenile polyposis syndrome (JPS). Identifiers: Orphanet 2929, MedGen C0345893, MONDO:0017380, OMIM 174900.

gnomAD v4.1: 2 of 1,614,198 alleles (0.00012%); highest among the groups gnomAD compares: South Asian, 0.0011%; no homozygotes.

Submission:

Labcorp Genetics (formerly Invitae), Labcorp
Classification: Uncertain significance for Juvenile polyposis syndrome. Last evaluated: 2025-09-30. Review status: criteria provided, single submitter. Criteria: Invitae Variant Classification Sherloc (09022015). Collection method: clinical testing. Allele origin: germline.
Comment: This sequence change replaces alanine, which is neutral and non-polar, with threonine, which is neutral and polar, at codon 258 of the SMAD4 protein (p.Ala258Thr). This variant is not present in population databases (gnomAD no frequency). This variant has not been reported in the literature in individuals affected with SMAD4-related conditions. Invitae Evidence Modeling of protein sequence and biophysical properties (such as structural, functional, and spatial information, amino acid conservation, physicochemical variation, residue mobility, and thermodynamic stability) indicates that this missense variant is not expected to disrupt SMAD4 protein function with a negative predictive value of 95%. In summary, the available evidence is currently insufficient to determine the role of this variant in disease. Therefore, it has been classified as a Variant of Uncertain Significance.